The following is an entry in ClinVar:

ClinVar aggregate classification (germline): Uncertain significance. Review status: criteria provided, multiple submitters, no conflicts (2 of 4 stars). 4 submissions from 4 submitters: Uncertain significance (4). Last evaluated 2026-04-01.

Conditions:
Cardiovascular phenotype. Identifiers: MedGen CN230736.

Allele frequency attached by ClinVar (database versions not stated): gnomAD exomes 0.00003; ExAC 0.00004; TOPMed 0.00005; gnomAD 0.00007.

Submissions (4):

CeGaT Center for Human Genetics Tuebingen
Classification: Uncertain significance. Last evaluated: 2026-04-01. Review status: criteria provided, single submitter. Criteria: CeGaT Center For Human Genetics Tuebingen Variant Classification Criteria Version 2. Collection method: clinical testing. Allele origin: germline. Affected: yes. Observed: 1 variant allele.
Comment: TNXB: PM2, BP4

Ambry Genetics
Classification: Uncertain significance for Cardiovascular phenotype. Last evaluated: 2025-06-01. Review status: criteria provided, single submitter. Criteria: Ambry Variant Classification Scheme 2023. Collection method: clinical testing. Allele origin: germline.
Comment: The p.V1116I variant (also known as c.3346G>A), located in coding exon 7 of the TNXB gene, results from a G to A substitution at nucleotide position 3346. The valine at codon 1116 is replaced by isoleucine, an amino acid with highly similar properties. This amino acid position is conserved. In addition, this alteration is predicted to be tolerated by in silico analysis. Since supporting evidence is limited at this time, the clinical significance of this alteration remains unclear.

Mayo Clinic Laboratories, Mayo Clinic
Classification: Uncertain significance. Last evaluated: 2025-04-03. Review status: criteria provided, single submitter. Criteria: ACMG Guidelines, 2015. Collection method: clinical testing. Allele origin: germline. Observed: 1 variant allele.
Comment: BP4_moderate

Women's Health and Genetics/Laboratory Corporation of America, LabCorp
Classification: Uncertain significance. Last evaluated: 2025-02-05. Review status: criteria provided, single submitter. Criteria: LabCorp Variant Classification Summary - May 2015. Collection method: clinical testing. Allele origin: germline.
Comment: Variant summary: TNXB c.3346G>A (p.Val1116Ile) results in a conservative amino acid change located in the Fibronectin type III (IPR003961) of the encoded protein sequence. Four of four in-silico tools predict a benign effect of the variant on protein function. The variant allele was found at a frequency of 4.5e-05 in 244198 control chromosomes. This frequency is not significantly higher than estimated for a pathogenic variant in TNXB causing Ehlers-Danlos syndrome due to tenascin-X deficiency (4.5e-05 vs 0.0011), allowing no conclusion about variant significance. To our knowledge, no occurrence of c.3346G>A in individuals affected with Ehlers-Danlos syndrome due to tenascin-X deficiency and no experimental evidence demonstrating its impact on protein function have been reported. ClinVar contains an entry for this variant (Variation ID: 1730464). Based on the evidence outlined above, the variant was classified as uncertain significance.

NM_001365276.2(TNXB):c.3346G>A (p.Val1116Ile)

Gene: TNXB (tenascin XB; minus strand). Cytogenetic location: 6p21.33.
Variant type: single nucleotide variant.
Coding change: c.3346G>A on transcript NM_001365276.2 (MANE Select); coding-DNA position 3346, G replaced by A.
Protein change: p.Val1116Ile; replaces valine 1116 with isoleucine.
Molecular consequence: missense variant.
Genome position (GRCh38, 1-based): chr6:32,084,512, C>T on the plus strand (G>A on the coding strand, the complement: TNXB is on the minus strand). VCF-style: chr6-32084512-C-T. GRCh37 (hg19) VCF-style: chr6-32052289-C-T.
Other names: p.Val1116Ile; c.3346G>A, p.Val1116Ile (NM_019105.8); short protein forms V1116I.
Identifiers: ClinVar variation 1730464 (VCV001730464.7), dbSNP rs760558082, ClinGen allele CA3735197.